The following is an entry in ClinVar:

ClinVar aggregate classification (germline): Likely benign. Review status: criteria provided, single submitter (1 of 4 stars). 2 submissions from 2 submitters: Likely benign (1). 1 of the submissions does not count toward it. Last evaluated 2021-01-29.

Conditions:
TTN-related disorder. Also called: TTN-related disorders; TTN-related condition; TTN-related disease.

gnomAD v4.1: 1 of 1,558,616 alleles (0.000064%); highest among the groups gnomAD compares: African/African-American, 0.0014%; no homozygotes.

Submissions (2):

Blueprint Genetics
Classification: Likely benign. Last evaluated: 2021-01-29. Review status: criteria provided, single submitter. Criteria: ACMG Guidelines, 2015. Collection method: clinical testing. Allele origin: germline.

PreventionGenetics, part of Exact Sciences
Classification: Likely benign for TTN-related condition. Last evaluated: 2022-01-16. Review status: no assertion criteria provided. Collection method: clinical testing. Allele origin: germline. Not counted in ClinVar's aggregate classification.
Comment: This variant is classified as likely benign based on ACMG/AMP sequence variant interpretation guidelines (Richards et al. 2015 PMID: 25741868, with internal and published modifications).

NM_001267550.2(TTN):c.34570C>A (p.Arg11524=)

Gene: TTN (titin; minus strand). Cytogenetic location: 2q31.2.
Variant type: single nucleotide variant.
Coding change: c.34570C>A on transcript NM_001267550.2 (MANE Select); coding-DNA position 34570, C replaced by A.
Protein change: p.Arg11524=; no amino-acid change (arginine 11524 retained).
Molecular consequence: synonymous variant. On other transcripts: intron variant (3).
Genome position (GRCh38, 1-based): chr2:178,675,081, G>T on the plus strand (C>A on the coding strand, the complement: TTN is on the minus strand). VCF-style: chr2-178675081-G-T. GRCh37 (hg19) VCF-style: chr2-179539808-G-T.
Other names: c.33448C>A, p.Arg11150= (NM_001256850.1); c.30667C>A, p.Arg10223= (NM_133378.4); c.13283-32764C>A (NM_003319.4); c.13859-32764C>A (NM_133437.4); c.13658-32764C>A (NM_133432.3).
Identifiers: ClinVar variation 3057694 (VCV003057694.3), dbSNP rs1441434215, ClinGen allele CA430124754.